The following is an entry in ClinVar:

NM_005359.6(SMAD4):c.1586T>G (p.Leu529Ter)

Gene: SMAD4 (SMAD family member 4; plus strand). Cytogenetic location: 18q21.2.
Variant type: single nucleotide variant.
Coding change: c.1586T>G on transcript NM_005359.6 (MANE Select); coding-DNA position 1586, T replaced by G.
Protein change: p.Leu529Ter; replaces leucine 529 with a stop codon.
Molecular consequence: nonsense.
Genome position (GRCh38, 1-based): chr18:51,078,394, T>G. VCF-style: chr18-51078394-T-G. GRCh37 (hg19) VCF-style: chr18-48604764-T-G.
Other names: c.1586T>G, p.Leu529Ter (NM_001407041.1, NM_001407042.1); short protein forms L529*.
Identifiers: ClinVar variation 2116377 (VCV002116377.5), dbSNP rs1599205483, ClinGen allele CA402466094.
Genomic context (GRCh38, chr18:51,078,394, plus strand): 5'-GGGGACCGGATTACCCAAGACAGAGCATCAAAGAAACACCTTGCTGGATTGAAATTCACT[T>G]ACACCGGGCCCTCCAGCTCCTAGACGAAGTACTTCATACCATGCCGATTGCAGACCCACA-3'

ClinVar aggregate classification (germline): Pathogenic. Review status: criteria provided, multiple submitters, no conflicts (2 of 4 stars). 2 submissions from 2 submitters: Pathogenic (2). Last evaluated 2026-01-29.

Conditions:
Juvenile polyposis syndrome (JPS). Identifiers: Orphanet 2929, MedGen C0345893, MONDO:0017380, OMIM 174900.
Juvenile polyposis/hereditary hemorrhagic telangiectasia syndrome (JPHT). Also called: JP/HHT SYNDROME; JUVENILE POLYPOSIS WITH HEREDITARY HEMORRHAGIC TELANGIECTASIA; POLYPOSIS, GENERALIZED JUVENILE, WITH PULMONARY ARTERIOVENOUS MALFORMATION; TELANGIECTASIA, HEREDITARY HEMORRHAGIC, WITH JUVENILE POLYPOSIS COLI; Juvenile Polyposis Syndrome / Hereditary Hemorrhagic Telangiectasia (JPS/HHT). Identifiers: Orphanet 2929, MedGen C1832942, MONDO:0008278, OMIM 175050.

Submissions (2):

Myriad Genetics, Inc.
Classification: Pathogenic for Juvenile polyposis/hereditary hemorrhagic telangiectasia syndrome. Last evaluated: 2026-01-29. Review status: criteria provided, single submitter. Criteria: Myriad Autosomal Dominant, Autosomal Recessive and X-Linked Classification Criteria (2023). Collection method: clinical testing. Allele origin: unknown.
Comment: This variant is considered pathogenic. This variant creates a termination codon and is predicted to result in premature protein truncation.

Labcorp Genetics (formerly Invitae), Labcorp
Classification: Pathogenic for Juvenile polyposis syndrome. Last evaluated: 2022-08-16. Review status: criteria provided, single submitter. Criteria: Invitae Variant Classification Sherloc (09022015). Collection method: clinical testing. Allele origin: germline.
Comment: For these reasons, this variant has been classified as Pathogenic. This variant disrupts a region of the SMAD4 protein in which other variant(s) (p.Ala532Profs*5) have been determined to be pathogenic (PMID: 15031030). This suggests that this is a clinically significant region of the protein, and that variants that disrupt it are likely to be disease-causing. This variant has not been reported in the literature in individuals affected with SMAD4-related conditions. This variant is not present in population databases (gnomAD no frequency). This sequence change creates a premature translational stop signal (p.Leu529*) in the SMAD4 gene. While this is not anticipated to result in nonsense mediated decay, it is expected to disrupt the last 24 amino acid(s) of the SMAD4 protein.

Literature cited by the submitters: PubMed 15031030 (cited by Labcorp Genetics (formerly Invitae), Labcorp).